The following is an entry in ClinVar:

ClinVar aggregate classification (germline): Uncertain significance (1 of 4 stars; one submission).

Conditions:
Inborn genetic diseases. Identifiers: MedGen C0950123, MeSH D030342.

Submission:

Ambry Genetics
Classification: Uncertain significance for Inborn genetic diseases. Last evaluated: 2024-07-09. Review status: criteria provided, single submitter. Criteria: Ambry Variant Classification Scheme 2023. Collection method: clinical testing. Allele origin: germline.
Comment: The p.S1142T variant (also known as c.3425G>C), located in coding exon 17 of the ATR gene, results from a G to C substitution at nucleotide position 3425. The serine at codon 1142 is replaced by threonine, an amino acid with similar properties. This amino acid position is conserved. In addition, this alteration is predicted to be tolerated by in silico analysis. Based on the available evidence, the clinical significance of this variant remains unclear.

NM_001184.4(ATR):c.3425G>C (p.Ser1142Thr)

Gene: ATR (ATR serine/threonine kinase; minus strand). Cytogenetic location: 3q23.
Variant type: single nucleotide variant.
Coding change: c.3425G>C on transcript NM_001184.4 (MANE Select); coding-DNA position 3425, G replaced by C.
Protein change: p.Ser1142Thr; replaces serine 1142 with threonine.
Molecular consequence: missense variant.
Genome position (GRCh38, 1-based): chr3:142,542,690, C>G on the plus strand (G>C on the coding strand, the complement: ATR is on the minus strand). VCF-style: chr3-142542690-C-G. GRCh37 (hg19) VCF-style: chr3-142261532-C-G.
Other names: c.3233G>C, p.Ser1078Thr (NM_001354579.2); short protein forms S1142T, S1078T.
Identifiers: ClinVar variation 3462424 (VCV003462424.1).
Genomic context (GRCh38, chr3:142,542,690, plus strand): 5'-TTCTATCTTAGCACTCTGGAACTATCACCACTTACCATTTTCTTATCTTCAATGCCAACA[C>G]TAGAGCTCAGTAACTGCATGTTAAAAAAAGCCAAAATGCCCAACAATTTGGGTTGTAAAT-3'
Protein context (NP_001175.2, residues 1132-1152): AFFNMQLLSS[Ser1142Thr]VGIEDKKMAL